The following is an entry in ClinVar:

NM_003079.5(SMARCE1):c.928C>G (p.Gln310Glu)

Gene: SMARCE1 (SWI/SNF related BAF chromatin remodeling complex subunit E1; minus strand). Cytogenetic location: 17q21.2.
Variant type: single nucleotide variant.
Coding change: c.928C>G on transcript NM_003079.5 (MANE Select); coding-DNA position 928, C replaced by G.
Protein change: p.Gln310Glu; replaces glutamine 310 with glutamic acid.
Molecular consequence: missense variant.
Genome position (GRCh38, 1-based): chr17:40,630,813, G>C on the plus strand (C>G on the coding strand, the complement: SMARCE1 is on the minus strand). VCF-style: chr17-40630813-G-C. GRCh37 (hg19) VCF-style: chr17-38787065-G-C.
Other names: short protein forms Q310E.
Identifiers: ClinVar variation 2843366 (VCV002843366.3), dbSNP rs2508595988, ClinGen allele CA399363596.

ClinVar aggregate classification (germline): Uncertain significance (1 of 4 stars; one submission).

Conditions:
Familial meningioma. Also called: Meningioma, familial, susceptibility to. Identifiers: Orphanet 263662, MedGen C3551915, MONDO:0011789, OMIM 607174.

Submission:

Labcorp Genetics (formerly Invitae), Labcorp
Classification: Uncertain significance for Familial meningioma. Last evaluated: 2023-03-07. Review status: criteria provided, single submitter. Criteria: Invitae Variant Classification Sherloc (09022015). Collection method: clinical testing. Allele origin: germline.
Comment: This sequence change replaces glutamine, which is neutral and polar, with glutamic acid, which is acidic and polar, at codon 310 of the SMARCE1 protein (p.Gln310Glu). This variant is not present in population databases (gnomAD no frequency). In summary, the available evidence is currently insufficient to determine the role of this variant in disease. Therefore, it has been classified as a Variant of Uncertain Significance. Advanced modeling of protein sequence and biophysical properties (such as structural, functional, and spatial information, amino acid conservation, physicochemical variation, residue mobility, and thermodynamic stability) performed at Invitae indicates that this missense variant is not expected to disrupt SMARCE1 protein function. This variant has not been reported in the literature in individuals affected with SMARCE1-related conditions.